The following is an entry in ClinVar:

NM_014633.5(CTR9):c.43G>A (p.Glu15Lys)

Gene: CTR9 (CTR9 homolog, Paf1/RNA polymerase II complex component; plus strand). Cytogenetic location: 11p15.4.
Variant type: single nucleotide variant.
Coding change: c.43G>A on transcript NM_014633.5 (MANE Select); coding-DNA position 43, G replaced by A.
Protein change: p.Glu15Lys; replaces glutamic acid 15 with lysine.
Molecular consequence: missense variant.
Genome position (GRCh38, 1-based): chr11:10,751,455, G>A. VCF-style: chr11-10751455-G-A. GRCh37 (hg19) VCF-style: chr11-10773002-G-A.
Other names: c.43G>A, p.Glu15Lys (NM_001346279.2); short protein forms E15K.
Identifiers: ClinVar variation 1173018 (VCV001173018.2), dbSNP rs2135351445, ClinGen allele CA379674821.

ClinVar aggregate classification (germline): Likely pathogenic (1 of 4 stars; one submission).

Conditions:
CTR9-related neurodevelopmental disorder. Identifiers: MedGen CN378764, MONDO:1040006.

Submission:

Centre of Medical Genetics, University of Antwerp
Classification: Likely pathogenic for CTR9-related neurodevelopmental disorder. Last evaluated: 2021-04-01. Review status: criteria provided, single submitter. Criteria: ACMG Guidelines, 2015. Collection method: research. Allele origin: de novo. Affected: yes.
Comment: PS2, PM2, PP3